The following is an entry in ClinVar:

ClinVar aggregate classification (germline): Pathogenic. Review status: criteria provided, multiple submitters, no conflicts (2 of 4 stars). 11 submissions from 11 submitters: Pathogenic (8). 3 of the submissions do not count toward it. Last evaluated 2024-10-08.

Conditions:
Hereditary breast ovarian cancer syndrome. Also called: Hereditary breast and ovarian cancer syndrome; Hereditary breast and ovarian cancer; Hereditary breast and ovarian cancer syndrome (HBOC); Breast and ovarian cancer; Hereditary breast and/or ovarian cancer syndrome; BRCA1- and BRCA2-Associated Hereditary Breast and Ovarian Cancer. Identifiers: Orphanet 145, MedGen C0677776, MeSH D061325, MONDO:0003582. Disease mechanism: loss of function.
Hereditary cancer-predisposing syndrome. Also called: Neoplastic Syndromes, Hereditary; Tumor predisposition; Hereditary neoplastic syndrome; Hereditary Cancer Syndrome. Identifiers: Orphanet 140162, MedGen C0027672, MeSH D009386, MONDO:0015356.
Breast-ovarian cancer, familial, susceptibility to, 2 (BROVCA2). Also called: BRCA2 Hereditary Breast and Ovarian Cancer. Identifiers: Orphanet 145, MedGen C2675520, MONDO:0012933, OMIM 612555. Disease mechanism: loss of function.

Submissions (11):

German Consortium for Hereditary Breast and Ovarian Cancer, University Hospital Cologne
Classification: Pathogenic for Hereditary breast ovarian cancer syndrome. Last evaluated: 2024-10-08. Review status: criteria provided, single submitter. Criteria: ClinGen BRCA2 V1.1.0. Collection method: curation. Allele origin: germline.
Comment: According to the ClinGen ENIGMA BRCA2 v1.1.0 criteria we chose these criteria: PVS1 (very strong pathogenic): ClinGen Table 4, PS1 (medium pathogenic): Additional variants with same splice effect classified as pathogenic, PM2 (supporting pathogenic): not in gnomAD v2.1.1, v3.1.2, v4.1

Ambry Genetics
Classification: Pathogenic for Hereditary cancer-predisposing syndrome. Last evaluated: 2022-08-31. Review status: criteria provided, single submitter. Criteria: Ambry Variant Classification Scheme 2023. Collection method: clinical testing. Allele origin: germline.
Comment: The c.7806-1G>T intronic pathogenic mutation results from a G to T substitution one nucleotide upstream from coding exon 16 of the BRCA2 gene. Alterations that disrupt the canonical splice site are expected to cause aberrant splicing, resulting in an abnormal protein or a transcript that is subject to nonsense-mediated mRNA decay. This alteration has been reported in a minigene assay to result an aberrant transcript which deletes 20 nucleotides which is a transcript subject to nonsense-mediated decay (Fraile-Bethencourt E et al. PLoS Genet. 2017 Mar;13(3):e1006691). This nucleotide position is highly conserved in available vertebrate species. In silico splice site analysis predicts that this alteration will weaken the native splice acceptor site and will result in the creation or strengthening of a novel splice acceptor site. Based on the supporting evidence, this alteration is interpreted as a disease-causing mutation.

Color Diagnostics, LLC DBA Color Health
Classification: Pathogenic for Hereditary cancer-predisposing syndrome. Last evaluated: 2022-03-03. Review status: criteria provided, single submitter. Criteria: ACMG Guidelines, 2015. Collection method: clinical testing. Allele origin: germline.
Comment: This variant causes a G to T nucleotide substitution at the -1 position of intron 16 of the BRCA2 gene. RNA studies have shown that this variant causes partial deletion of exon 17, resulting in a frameshift and premature termination codon (PMID: 28339459, 32398771). This variant has been reported in 1 individual affected with pancreatic cancer and breast or ovarian cancer, 1 individual affected with ovarian cancer (PMID: 27732944, 27767231), and has been identified in 2 families among the CIMBA participants (PMID: 29446198). This variant has not been identified in the general population by the Genome Aggregation Database (gnomAD). Loss of BRCA2 function is a known mechanism of disease. Based on the available evidence, this variant is classified as Pathogenic.

Quest Diagnostics Nichols Institute San Juan Capistrano
Classification: Pathogenic. Last evaluated: 2020-04-02. Review status: criteria provided, single submitter. Criteria: Quest Diagnostics criteria. Collection method: clinical testing. Allele origin: unknown.
Comment: The variant disrupts a canonical splice site, and is therefore predicted to result in the loss of a functional protein. Found in at least one patient with expected phenotype for this gene, and not found in general population data.

Women's Health and Genetics/Laboratory Corporation of America, LabCorp
Classification: Pathogenic for Hereditary breast and ovarian cancer syndrome. Last evaluated: 2018-01-18. Review status: criteria provided, single submitter. Criteria: LabCorp Variant Classification Summary - May 2015. Collection method: clinical testing. Allele origin: germline.
Comment: Variant summary: The BRCA2 c.7806-1G>T variant involves the alteration of a highly conserved nucleotide in the canonical splice acceptor site. 5/5 splice prediction tools predict abrogation of the splice site. In vitro functional study shows that this change leads to activation of an alternate splice acceptor site 20 nucleotide downstream which results into frame-shift leading to premature truncation (Fraile-Bethencourt_2017). Thus this variant results into loss of function which is a known disease mechanism in HBOC. This variant is absent in 245952 control chromosomes (gnomAD). This variant has been reported in at least two unrelated HBOC patients/families in literature (Weren_2017) and a clinical database. Multiple clinical diagnostic laboratories/reputable databases have classified this variant as pathogenic. Taken together, this variant is classified as pathogenic.

Labcorp Genetics (formerly Invitae), Labcorp
Classification: Pathogenic for Hereditary breast ovarian cancer syndrome. Last evaluated: 2017-10-11. Review status: criteria provided, single submitter. Criteria: Invitae Variant Classification Sherloc (09022015). Collection method: clinical testing. Allele origin: germline.
Comment: This variant is not present in population databases (ExAC no frequency). For these reasons, this variant has been classified as Pathogenic. Loss-of-function variants in BRCA2 are known to be pathogenic (PMID: 20104584). Donor and acceptor splice site variants typically lead to a loss of protein function (PMID: 16199547). Experimental studies using site-directed mutagenesis indicate that this sequence change results in the deletion of 20 nucleotides from exon 17 producing a disrupted protein product (p.Arg2603Cysfs*8) (PMID: 28339459). This variant has been reported in individuals affected with breast and/or ovarian cancer (PMID: 16683254, 27767231). This variant is also known as IVS16-1G>T in the literature. ClinVar contains an entry for this variant (Variation ID: 52417). This sequence change affects an acceptor splice site in intron 16 of the BRCA2 gene. It is expected to disrupt RNA splicing and likely results in an absent or disrupted protein product.

Consortium of Investigators of Modifiers of BRCA1/2 (CIMBA), c/o University of Cambridge
Classification: Pathogenic for Breast-ovarian cancer, familial, susceptibility to, 2. Last evaluated: 2015-10-02. Review status: criteria provided, single submitter. Criteria: CIMBA Mutation Classification guidelines May 2016. Collection method: clinical testing. Allele origin: germline.

Clinical Genetics DNA and cytogenetics Diagnostics Lab, Erasmus MC, Erasmus Medical Center
Classification: Pathogenic for Breast-ovarian cancer, familial, susceptibility to, 2. Last evaluated: 2015-09-21. Review status: criteria provided, single submitter. Criteria: ACGS Guidelines, 2013. Collection method: clinical testing. Allele origin: germline. Affected: yes. Study: VKGL Data-share Consensus.

Breast Cancer Information Core (BIC) (BRCA2)
Classification: Pathogenic for Breast-ovarian cancer, familial 2. Review status: no assertion criteria provided. Collection method: clinical testing. Allele origin: germline. Affected: yes. Observed: 1 variant allele. Not counted in ClinVar's aggregate classification.

Diagnostic Laboratory, Department of Genetics, University Medical Center Groningen
Classification: Pathogenic for Breast-ovarian cancer, familial, susceptibility to, 2. Review status: no assertion criteria provided. Collection method: clinical testing. Allele origin: germline. Affected: yes. Study: VKGL Data-share Consensus. Not counted in ClinVar's aggregate classification.

Joint Genome Diagnostic Labs from Nijmegen and Maastricht, Radboudumc and MUMC+
Classification: Pathogenic. Review status: no assertion criteria provided. Collection method: clinical testing. Allele origin: germline. Affected: yes. Study: VKGL Data-share Consensus. Not counted in ClinVar's aggregate classification.

Literature cited by the submitters: PubMed 27732944 (cited by Color Diagnostics, LLC DBA Color Health); PubMed 27767231 (cited by 3 submitters); PubMed 28339459 (cited by 4 submitters); PubMed 29446198 (cited by Color Diagnostics, LLC DBA Color Health); PubMed 32398771 (cited by Color Diagnostics, LLC DBA Color Health); PubMed 16683254 (cited by 3 submitters); PubMed 20104584 (cited by Labcorp Genetics (formerly Invitae), Labcorp); PubMed 16199547 (cited by Labcorp Genetics (formerly Invitae), Labcorp).

NM_000059.4(BRCA2):c.7806-1G>T

Gene: BRCA2 (BRCA2 DNA repair associated; plus strand). Cytogenetic location: 13q13.1.
Variant type: single nucleotide variant.
Coding change: c.7806-1G>T on transcript NM_000059.4 (MANE Select); the canonical splice acceptor site of the intron before coding-DNA position 7806, G replaced by T.
Molecular consequence: splice acceptor variant.
Genome position (GRCh38, 1-based): chr13:32,362,522, G>T. VCF-style: chr13-32362522-G-T. GRCh37 (hg19) VCF-style: chr13-32936659-G-T.
Other names: IVS16-1G>T; c.7806-1G>T (NM_001406720.1); c.7710-1G>T (NM_001406719.1); c.2874-1G>T (NM_001406721.1); c.1389-1G>T (NM_001406722.1).
Identifiers: ClinVar variation 52417 (VCV000052417.23), dbSNP rs81002860, ClinGen allele CA025288.